The following is an entry in ClinVar:

ClinVar aggregate classification (germline): Uncertain significance (1 of 4 stars; one submission).

Conditions:
Myofibrillar myopathy 5. Also called: FILAMINOPATHY, AUTOSOMAL DOMINANT; Filaminopathy (type). Identifiers: Orphanet 171445, MedGen C1836050, MONDO:0012289, OMIM 609524.
Distal myopathy with posterior leg and anterior hand involvement. Also called: WILLIAMS DISTAL MYOPATHY. Identifiers: Orphanet 63273, MedGen C3279722, MONDO:0013550, OMIM 614065.
Hypertrophic cardiomyopathy 26. Also called: Cardiomyopathy, familial hypertrophic, 26. Identifiers: Orphanet 75249, MedGen C4310749, MONDO:0014883, OMIM 617047.

Allele frequency attached by ClinVar (database versions not stated): TOPMed 0.00001.
gnomAD v4.1: 1 of 1,613,524 alleles (0.000062%); highest among the groups gnomAD compares: Non-Finnish European, 0.000085%; no homozygotes.

Submission:

Labcorp Genetics (formerly Invitae), Labcorp
Classification: Uncertain significance for Distal myopathy with posterior leg and anterior hand involvement; Myofibrillar myopathy 5; Hypertrophic cardiomyopathy 26. Last evaluated: 2019-11-27. Review status: criteria provided, single submitter. Criteria: Invitae Variant Classification Sherloc (09022015). Collection method: clinical testing. Allele origin: germline.
Comment: In summary, the available evidence is currently insufficient to determine the role of this variant in disease. Therefore, it has been classified as a Variant of Uncertain Significance. Algorithms developed to predict the effect of missense changes on protein structure and function are either unavailable or do not agree on the potential impact of this missense change (SIFT: "Deleterious"; PolyPhen-2: "Probably Damaging"; Align-GVGD: "Class C0"). This variant has not been reported in the literature in individuals with FLNC-related conditions. This variant is not present in population databases (ExAC no frequency). This sequence change replaces aspartic acid with tyrosine at codon 798 of the FLNC protein (p.Asp798Tyr). The aspartic acid residue is moderately conserved and there is a large physicochemical difference between aspartic acid and tyrosine.

NM_001458.5(FLNC):c.2392G>T (p.Asp798Tyr)

Gene: FLNC (filamin C; plus strand). Cytogenetic location: 7q32.1.
Variant type: single nucleotide variant.
Coding change: c.2392G>T on transcript NM_001458.5 (MANE Select); coding-DNA position 2392, G replaced by T.
Protein change: p.Asp798Tyr; replaces aspartic acid 798 with tyrosine.
Molecular consequence: missense variant.
Genome position (GRCh38, 1-based): chr7:128,842,796, G>T. VCF-style: chr7-128842796-G-T. GRCh37 (hg19) VCF-style: chr7-128482850-G-T.
Other names: c.2392G>T, p.Asp798Tyr (NM_001127487.2); short protein forms D798Y.
Identifiers: ClinVar variation 860304 (VCV000860304.10), dbSNP rs778594252, ClinGen allele CA369191497.